The following is an entry in ClinVar:

NM_001267550.2(TTN):c.97442G>A (p.Gly32481Glu)

Genes: TTN (titin; minus strand), TTN-AS1 (TTN antisense RNA 1; plus strand). Cytogenetic location: 2q31.2.
Variant type: single nucleotide variant.
Coding change: c.97442G>A on transcript NM_001267550.2 (MANE Select); coding-DNA position 97442, G replaced by A.
Protein change: p.Gly32481Glu; replaces glycine 32481 with glutamic acid.
Molecular consequence: missense variant. On other transcripts: non-coding transcript variant (1).
Genome position (GRCh38, 1-based): chr2:178,542,314, C>T on the plus strand (G>A on the coding strand, the complement: TTN is on the minus strand). VCF-style: chr2-178542314-C-T. GRCh37 (hg19) VCF-style: chr2-179407041-C-T.
Other names: p.G30840E:GGG>GAG; c.92519G>A, p.Gly30840Glu (NM_001256850.1); c.70247G>A, p.Gly23416Glu (NM_003319.4); c.89738G>A, p.Gly29913Glu (NM_133378.4); c.70622G>A, p.Gly23541Glu (NM_133432.3); c.70823G>A, p.Gly23608Glu (NM_133437.4); short protein forms G30840E, G32481E, G29913E, G23416E, G23608E, G23541E.
Identifiers: ClinVar variation 203028 (VCV000203028.54), dbSNP rs201364164, ClinGen allele CA311022.

ClinVar aggregate classification (germline): Conflicting classifications of pathogenicity. Review status: criteria provided, conflicting classifications (1 of 4 stars). 8 submissions from 8 submitters: Uncertain significance (4); Likely benign (4). Last evaluated 2026-09-21.

Conditions:
Autosomal recessive limb-girdle muscular dystrophy type 2J (LGMDR10). Also called: Limb-girdle muscular dystrophy, type 2J; MUSCULAR DYSTROPHY, LIMB-GIRDLE, AUTOSOMAL RECESSIVE 10. Identifiers: Orphanet 140922, MedGen C1837342, MONDO:0012127, OMIM 608807.
Dilated cardiomyopathy 1G (CMD1G). Identifiers: Orphanet 154, MedGen C1858763, MONDO:0011400, OMIM 604145.
Cardiomyopathy (CMYO). Also called: Cardiomyopathies. Identifiers: Orphanet 167848, MedGen C0878544, MONDO:0004994, HP:0001638. Inheritance: Various modes of inheritance.

Allele frequency attached by ClinVar (database versions not stated): gnomAD 0.00003 and 0.00004; TOPMed 0.00003; gnomAD exomes 0.00007 and 0.00009; ExAC 0.00011.
gnomAD v4.1: 114 of 1,612,626 alleles (0.0071%); highest among the groups gnomAD compares: Middle Eastern, 0.21%; 1 homozygote.

Submissions (8):

Molecular Diagnostic Laboratory for Inherited Cardiovascular Disease, Montreal Heart Institute
Classification: Likely benign. Last evaluated: 2026-09-21. Review status: criteria provided, single submitter. Criteria: ACMG Guidelines, 2015. Collection method: clinical testing. Allele origin: germline. Affected: no.

CeGaT Center for Human Genetics Tuebingen
Classification: Uncertain significance. Last evaluated: 2026-03-01. Review status: criteria provided, single submitter. Criteria: CeGaT Center For Human Genetics Tuebingen Variant Classification Criteria Version 2. Collection method: clinical testing. Allele origin: germline. Affected: yes. Observed: 7 variant alleles.
Comment: TTN: PM2, PP3

Women's Health and Genetics/Laboratory Corporation of America, LabCorp
Classification: Uncertain significance. Last evaluated: 2025-02-06. Review status: criteria provided, single submitter. Criteria: LabCorp Variant Classification Summary - May 2015. Collection method: clinical testing. Allele origin: germline.
Comment: Variant summary: TTN c.89738G>A (p.Gly29913Glu) results in a non-conservative amino acid change located in the Fibronectin type-III domain profile (IPR003961) of the encoded protein sequence. Four of four in-silico tools predict a damaging effect of the variant on protein function. The variant allele was found at a frequency of 8.9e-05 in 246442 control chromosomes. This frequency is not significantly higher than estimated for a pathogenic variant in TTN causing Autosomal Recessive Titinopathy (8.9e-05 vs 0.00039), allowing no conclusion about variant significance. To our knowledge, no occurrence of c.89738G>A in individuals affected with Autosomal Recessive Titinopathy and no experimental evidence demonstrating its impact on protein function have been reported. ClinVar contains an entry for this variant (Variation ID: 203028). Based on the evidence outlined above, the variant was classified as uncertain significance.

Blueprint Genetics
Classification: Likely benign. Last evaluated: 2024-11-26. Review status: criteria provided, single submitter. Criteria: ACMG Guidelines, 2015. Collection method: clinical testing. Allele origin: germline.

CHEO Genetics Diagnostic Laboratory, Children's Hospital of Eastern Ontario
Classification: Likely benign for Cardiomyopathy. Last evaluated: 2021-08-30. Review status: criteria provided, single submitter. Criteria: ACMG Guidelines, 2015. Collection method: clinical testing. Allele origin: germline.

GeneDx
Classification: Likely benign. Last evaluated: 2019-09-12. Review status: criteria provided, single submitter. Criteria: GeneDx Variant Classification Process June 2021. Collection method: clinical testing. Allele origin: germline. Affected: yes.

Eurofins Ntd Llc (ga)
Classification: Uncertain significance. Last evaluated: 2018-06-29. Review status: criteria provided, single submitter. Criteria: EGL ClinVar v180209 classification definitions. Collection method: clinical testing. Allele origin: germline. Observed: 1 variant allele, 1 heterozygote.

Labcorp Genetics (formerly Invitae), Labcorp
Classification: Uncertain significance for Dilated cardiomyopathy 1G; Autosomal recessive limb-girdle muscular dystrophy type 2J. Last evaluated: 2017-12-28. Review status: criteria provided, single submitter. Criteria: Invitae Variant Classification Sherloc (09022015). Collection method: clinical testing. Allele origin: germline.